The following is an entry in ClinVar:

ClinVar aggregate classification (germline): Uncertain significance (1 of 4 stars; one submission).

Conditions:
Inborn genetic diseases. Identifiers: MedGen C0950123, MeSH D030342.

Submission:

Ambry Genetics
Classification: Uncertain significance for Inborn genetic diseases. Last evaluated: 2023-11-29. Review status: criteria provided, single submitter. Criteria: Ambry Variant Classification Scheme 2023. Collection method: clinical testing. Allele origin: germline.
Comment: The p.S110G variant (also known as c.328A>G), located in coding exon 5 of the ERCC2 gene, results from an A to G substitution at nucleotide position 328. The serine at codon 110 is replaced by glycine, an amino acid with similar properties. This amino acid position is conserved. In addition, the in silico prediction for this alteration is inconclusive. Since supporting evidence is limited at this time, the clinical significance of this alteration remains unclear.

NM_000400.4(ERCC2):c.328A>G (p.Ser110Gly)

Gene: ERCC2 (ERCC excision repair 2, TFIIH core complex helicase subunit; minus strand). Cytogenetic location: 19q13.32.
Variant type: single nucleotide variant.
Coding change: c.328A>G on transcript NM_000400.4 (MANE Select); coding-DNA position 328, A replaced by G.
Protein change: p.Ser110Gly; replaces serine 110 with glycine.
Molecular consequence: missense variant.
Genome position (GRCh38, 1-based): chr19:45,368,662, T>C on the plus strand (A>G on the coding strand, the complement: ERCC2 is on the minus strand). VCF-style: chr19-45368662-T-C. GRCh37 (hg19) VCF-style: chr19-45871920-T-C.
Other names: c.256A>G, p.Ser86Gly (NM_001130867.2); short protein forms S110G, S86G.
Identifiers: ClinVar variation 3231693 (VCV003231693.1), dbSNP rs2514043745, ClinGen allele CA406378157.